The following is an entry in ClinVar:

ClinVar aggregate classification (germline): Uncertain significance (1 of 4 stars; one submission).

Submission:

CeGaT Center for Human Genetics Tuebingen
Classification: Uncertain significance. Last evaluated: 2025-07-01. Review status: criteria provided, single submitter. Criteria: CeGaT Center For Human Genetics Tuebingen Variant Classification Criteria Version 2. Collection method: clinical testing. Allele origin: germline. Affected: yes. Observed: 1 variant allele.
Comment: SLC17A5: PM2, BP4

NM_012434.5(SLC17A5):c.745A>G (p.Ser249Gly)

Gene: SLC17A5 (solute carrier family 17 member 5; minus strand). Cytogenetic location: 6q13.
Variant type: single nucleotide variant.
Coding change: c.745A>G on transcript NM_012434.5 (MANE Select); coding-DNA position 745, A replaced by G.
Protein change: p.Ser249Gly; replaces serine 249 with glycine.
Molecular consequence: missense variant.
Genome position (GRCh38, 1-based): chr6:73,635,456, T>C on the plus strand (A>G on the coding strand, the complement: SLC17A5 is on the minus strand). VCF-style: chr6-73635456-T-C. GRCh37 (hg19) VCF-style: chr6-74345179-T-C.
Other names: c.514A>G, p.Ser172Gly (NM_001382629.1); c.745A>G, p.Ser249Gly (NM_001382630.1, NM_001382633.1, NM_001382634.1); c.766A>G, p.Ser256Gly (NM_001382631.1); c.658A>G, p.Ser220Gly (NM_001382632.1); c.742A>G, p.Ser248Gly (NM_001382635.1); c.427A>G, p.Ser143Gly (NM_001382636.1); short protein forms S143G, S172G, S220G, S248G, S249G, S256G.
Identifiers: ClinVar variation 4083601 (VCV004083601.8).